The following is an entry in ClinVar:

ClinVar aggregate classification (germline): Conflicting classifications of pathogenicity. Review status: criteria provided, conflicting classifications (1 of 4 stars). 2 submissions from 2 submitters: Uncertain significance (1); Likely benign (1). Last evaluated 2024-07-26.

Conditions:
Inborn genetic diseases. Identifiers: MedGen C0950123, MeSH D030342.

Allele frequency attached by ClinVar (database versions not stated): ExAC 0.00002; gnomAD exomes 0.00002; gnomAD 0.00003; TOPMed 0.00008; 1000 Genomes Project 30x 0.00016; 1000 Genomes Project 0.00020.
gnomAD v4.1: 33 of 1,613,732 alleles (0.002%); highest among the groups gnomAD compares: Admixed American, 0.01%; no homozygotes.

Submissions (2):

Ambry Genetics
Classification: Uncertain significance for Inborn genetic diseases. Last evaluated: 2024-07-26. Review status: criteria provided, single submitter. Criteria: Ambry Variant Classification Scheme 2023. Collection method: clinical testing. Allele origin: germline.

GeneDx
Classification: Likely benign. Last evaluated: 2014-06-03. Review status: criteria provided, single submitter. Criteria: GeneDx Variant Classification (06012015). Collection method: clinical testing. Allele origin: germline. Affected: yes.
Comment: This variant is considered likely benign or benign based on one or more of the following criteria: it is a conservative change, it occurs at a poorly conserved position in the protein, it is predicted to be benign by multiple in silico algorithms, and/or has population frequency not consistent with disease.

NM_021957.4(GYS2):c.1657G>A (p.Val553Ile)

Gene: GYS2 (glycogen synthase 2; minus strand). Cytogenetic location: 12p12.1.
Variant type: single nucleotide variant.
Coding change: c.1657G>A on transcript NM_021957.4 (MANE Select); coding-DNA position 1657, G replaced by A.
Protein change: p.Val553Ile; replaces valine 553 with isoleucine.
Molecular consequence: missense variant.
Genome position (GRCh38, 1-based): chr12:21,540,562, C>T on the plus strand (G>A on the coding strand, the complement: GYS2 is on the minus strand). VCF-style: chr12-21540562-C-T. GRCh37 (hg19) VCF-style: chr12-21693496-C-T.
Other names: p.V553I:GTT>ATT; short protein forms V553I.
Identifiers: ClinVar variation 214525 (VCV000214525.2), dbSNP rs186184722, ClinGen allele CA322185.
Genomic context (GRCh38, chr12:21,540,562, plus strand): 5'-CATAGAGAAACTTAGTCAGCTGATTGCAAGAATCATCTGGAGAACGGAACCGCCTGTCAA[C>T]GATGTAAATACCTGAAGAACACAAAAGCCAAAGCACAAGTAAAAGTAGGACTAACCTTAA-3'
Protein context (NP_068776.2, residues 543-563): ADPTAYGIYI[Val553Ile]DRRFRSPDDS